The following is an entry in ClinVar:

NM_000090.4(COL3A1):c.3205C>T (p.Pro1069Ser)

Gene: COL3A1 (collagen type III alpha 1 chain; plus strand). Cytogenetic location: 2q32.2.
Variant type: single nucleotide variant.
Coding change: c.3205C>T on transcript NM_000090.4 (MANE Select); coding-DNA position 3205, C replaced by T.
Protein change: p.Pro1069Ser; replaces proline 1069 with serine.
Molecular consequence: missense variant.
Genome position (GRCh38, 1-based): chr2:189,006,940, C>T. VCF-style: chr2-189006940-C-T. GRCh37 (hg19) VCF-style: chr2-189871666-C-T.
Other names: short protein forms P1069S.
Identifiers: ClinVar variation 263586 (VCV000263586.7), dbSNP rs200122671, ClinGen allele CA10587534.

ClinVar aggregate classification (germline): Uncertain significance. Review status: criteria provided, multiple submitters, no conflicts (2 of 4 stars). 5 submissions from 5 submitters: Uncertain significance (5). Last evaluated 2025-07-22.

Conditions:
Cardiovascular phenotype. Identifiers: MedGen CN230736.
Familial thoracic aortic aneurysm and aortic dissection (TAAD). Also called: Thoracic aortic aneurysms and dissections. Identifiers: Orphanet 91387, MedGen C4707243, MONDO:0019625.
Ehlers-Danlos syndrome, type 4 (EDSVASC). Also called: Ehlers-Danlos syndrome vascular type; Ehlers Danlos syndrome, ecchymotic type; Ehlers Danlos syndrome, arterial type; Ehlers Danlos syndrome, Sack-Barabas type; Ehlers-Danlos Syndrome Type IV. Identifiers: Orphanet 286, MedGen C0268338, MONDO:0017314, OMIM 130050.

Allele frequency attached by ClinVar (database versions not stated): gnomAD exomes below 0.00001 and 0.00001.
gnomAD v4.1: 16 of 1,613,012 alleles (0.00099%); highest among the groups gnomAD compares: Non-Finnish European, 0.0014%; no homozygotes.

Submissions (5):

Labcorp Genetics (formerly Invitae), Labcorp
Classification: Uncertain significance for Ehlers-Danlos syndrome, type 4. Last evaluated: 2025-07-22. Review status: criteria provided, single submitter. Criteria: Invitae Variant Classification Sherloc (09022015). Collection method: clinical testing. Allele origin: germline.
Comment: This sequence change replaces proline, which is neutral and non-polar, with serine, which is neutral and polar, at codon 1069 of the COL3A1 protein (p.Pro1069Ser). This variant is present in population databases (rs200122671, gnomAD 0.0009%). This variant has not been reported in the literature in individuals affected with COL3A1-related conditions. ClinVar contains an entry for this variant (Variation ID: 263586). Invitae Evidence Modeling of protein sequence and biophysical properties (such as structural, functional, and spatial information, amino acid conservation, physicochemical variation, residue mobility, and thermodynamic stability) indicates that this missense variant is not expected to disrupt COL3A1 protein function with a negative predictive value of 95%. In summary, the available evidence is currently insufficient to determine the role of this variant in disease. Therefore, it has been classified as a Variant of Uncertain Significance.

GeneDx
Classification: Uncertain significance. Last evaluated: 2025-02-24. Review status: criteria provided, single submitter. Criteria: GeneDx Variant Classification Process June 2021. Collection method: clinical testing. Allele origin: germline. Affected: yes.
Comment: Not observed at significant frequency in large population cohorts (gnomAD); In silico analysis supports that this missense variant has a deleterious effect on protein structure/function; Has not been previously published as pathogenic or benign to our knowledge; Occurs in the triple helical domain at the X position in the canonical Gly-X-Y repeat; although this variant may have an effect on normal protein folding and function, missense substitution at the X position is not a common mechanism of disease (HGMD)

Color Diagnostics, LLC DBA Color Health
Classification: Uncertain significance for Familial thoracic aortic aneurysm and aortic dissection. Last evaluated: 2024-12-23. Review status: criteria provided, single submitter. Criteria: ACMG Guidelines, 2015. Collection method: clinical testing. Allele origin: germline.
Comment: This missense variant replaces proline with serine at codon 1069 of the COL3A1 protein. Computational prediction suggests that this variant may not impact protein structure and function. To our knowledge, functional studies have not been reported for this variant. This variant has not been reported in individuals affected with COL3A1-related disorders in the literature. This variant has been identified in 1/251374 chromosomes in the general population by the Genome Aggregation Database (gnomAD). The available evidence is insufficient to determine the role of this variant in disease conclusively. Therefore, this variant is classified as a Variant of Uncertain Significance.

All of Us Research Program, National Institutes of Health
Classification: Uncertain significance for Ehlers-Danlos syndrome, type 4. Last evaluated: 2023-11-30. Review status: criteria provided, single submitter. Criteria: ACMG Guidelines, 2015. Collection method: clinical testing. Allele origin: germline. Inheritance: Autosomal dominant inheritance. Observed: 1 variant allele, 1 heterozygote.
Comment: This study involves interpretation of variants in research participants for the purpose of population health screening. Participant phenotype was not available at the time of variant classification. Additional details can be found in publication PMID: 35346344, PMCID: PMC8962531

Ambry Genetics
Classification: Uncertain significance for Cardiovascular phenotype. Last evaluated: 2013-05-14. Review status: criteria provided, single submitter. Criteria: Ambry Autosomal Dominant and X-Linked criteria (10/2015). Collection method: clinical testing. Allele origin: germline. Observed: 1 variant allele.
Comment: There is insufficient or conflicting evidence for classification of this alteration.